The following is an entry in ClinVar:

NM_004304.5(ALK):c.1439G>T (p.Cys480Phe)

Gene: ALK (ALK receptor tyrosine kinase; minus strand). Cytogenetic location: 2p23.2.
Variant type: single nucleotide variant.
Coding change: c.1439G>T on transcript NM_004304.5 (MANE Select); coding-DNA position 1439, G replaced by T.
Protein change: p.Cys480Phe; replaces cysteine 480 with phenylalanine.
Molecular consequence: missense variant.
Genome position (GRCh38, 1-based): chr2:29,320,858, C>A on the plus strand (G>T on the coding strand, the complement: ALK is on the minus strand). VCF-style: chr2-29320858-C-A. GRCh37 (hg19) VCF-style: chr2-29543724-C-A.
Other names: short protein forms C480F.
Identifiers: ClinVar variation 4271820 (VCV004271820.1).
Genomic context (GRCh38, chr2:29,320,858, plus strand): 5'-TGAGGAGTGTGGGGTGACAGTGTGCCTTGGGTCCAGCCACAGAAGCCATCTTCAAAGTTG[C>A]AGTAAAAACCCACAGGCAGTTTCCCTATGGAGAGAGCAGAGAGGCACCATCATTTTCAGG-3'
Protein context (NP_004295.2, residues 470-490): MCRKLPVGFY[Cys480Phe]NFEDGFCGWT

ClinVar aggregate classification (germline): Uncertain significance (1 of 4 stars; one submission).

Conditions:
Hereditary cancer-predisposing syndrome. Also called: Hereditary Cancer Syndrome; Hereditary neoplastic syndrome; Neoplastic Syndromes, Hereditary; Tumor predisposition. Identifiers: Orphanet 140162, MedGen C0027672, MeSH D009386, MONDO:0015356.

Submission:

Ambry Genetics
Classification: Uncertain significance for Hereditary cancer-predisposing syndrome. Last evaluated: 2025-08-08. Review status: criteria provided, single submitter. Criteria: Ambry Variant Classification Scheme 2023. Collection method: clinical testing. Allele origin: germline.
Comment: The p.C480F variant (also known as c.1439G>T), located in coding exon 7 of the ALK gene, results from a G to T substitution at nucleotide position 1439. The cysteine at codon 480 is replaced by phenylalanine, an amino acid with highly dissimilar properties. This amino acid position is conserved. In addition, the in silico prediction for this alteration is inconclusive. Based on the available evidence, the clinical significance of this variant remains unclear.